The following is an entry in ClinVar:

NM_015338.6(ASXL1):c.1996G>T (p.Gly666Cys)

Gene: ASXL1 (ASXL transcriptional regulator 1; plus strand). Cytogenetic location: 20q11.21.
Variant type: single nucleotide variant.
Coding change: c.1996G>T on transcript NM_015338.6 (MANE Select); coding-DNA position 1996, G replaced by T.
Protein change: p.Gly666Cys; replaces glycine 666 with cysteine.
Molecular consequence: missense variant.
Genome position (GRCh38, 1-based): chr20:32,434,708, G>T. VCF-style: chr20-32434708-G-T. GRCh37 (hg19) VCF-style: chr20-31022511-G-T.
Other names: c.1813G>T, p.Gly605Cys (NM_001363734.1); short protein forms G605C, G666C.
Identifiers: ClinVar variation 3377929 (VCV003377929.1).

ClinVar aggregate classification (germline): Uncertain significance (1 of 4 stars; one submission).

Submission:

GeneDx
Classification: Uncertain significance. Last evaluated: 2024-05-15. Review status: criteria provided, single submitter. Criteria: GeneDx Variant Classification Process June 2021. Collection method: clinical testing. Allele origin: germline. Affected: yes.
Comment: Not observed at significant frequency in large population cohorts (gnomAD); In silico analysis supports that this missense variant has a deleterious effect on protein structure/function; Has not been previously published as pathogenic or benign to our knowledge